The following is an entry in ClinVar:

NM_000256.3(MYBPC3):c.195G>A (p.Thr65=)

Gene: MYBPC3 (myosin binding protein C3; minus strand). Cytogenetic location: 11p11.2.
Variant type: single nucleotide variant.
Coding change: c.195G>A on transcript NM_000256.3 (MANE Select); coding-DNA position 195, G replaced by A.
Protein change: p.Thr65=; no amino-acid change (threonine 65 retained).
Molecular consequence: synonymous variant.
Genome position (GRCh38, 1-based): chr11:47,351,336, C>T on the plus strand (G>A on the coding strand, the complement: MYBPC3 is on the minus strand). VCF-style: chr11-47351336-C-T. GRCh37 (hg19) VCF-style: chr11-47372887-C-T.
Identifiers: ClinVar variation 2158254 (VCV002158254.7), dbSNP rs370102200, ClinGen allele CA047750.

ClinVar aggregate classification (germline): Likely benign. Review status: criteria provided, multiple submitters, no conflicts (2 of 4 stars). 4 submissions from 4 submitters: Likely benign (4). Last evaluated 2026-01-31.

Conditions:
Cardiovascular phenotype. Identifiers: MedGen CN230736.
Hypertrophic cardiomyopathy. Also called: HYPERTROPHIC MYOCARDIOPATHY. Identifiers: Orphanet 217569, MedGen C0007194, MeSH D002312, MONDO:0005045, HP:0001639.

Allele frequency attached by ClinVar (database versions not stated): gnomAD 0.00001; gnomAD exomes 0.00001; ExAC 0.00007; ESP Exome Variant Server 0.00008.

Submissions (4):

Ambry Genetics
Classification: Likely benign for Cardiovascular phenotype. Last evaluated: 2026-01-31. Review status: criteria provided, single submitter. Criteria: Ambry Variant Classification Scheme 2023. Collection method: clinical testing. Allele origin: germline.

Blueprint Genetics
Classification: Likely benign. Last evaluated: 2023-12-29. Review status: criteria provided, single submitter. Criteria: ACMG Guidelines, 2015. Collection method: clinical testing. Allele origin: germline.

All of Us Research Program, National Institutes of Health
Classification: Likely benign for Hypertrophic cardiomyopathy. Last evaluated: 2023-06-08. Review status: criteria provided, single submitter. Criteria: ACMG Guidelines, 2015. Collection method: clinical testing. Allele origin: germline. Inheritance: Autosomal dominant inheritance. Observed: 2 variant alleles, 2 heterozygotes.
Comment: This study involves interpretation of variants in research participants for the purpose of population health screening. Participant phenotype was not available at the time of variant classification. Additional details can be found in publication PMID: 35346344, PMCID: PMC8962531

Labcorp Genetics (formerly Invitae), Labcorp
Classification: Likely benign for Hypertrophic cardiomyopathy. Last evaluated: 2022-11-18. Review status: criteria provided, single submitter. Criteria: Invitae Variant Classification Sherloc (09022015). Collection method: clinical testing. Allele origin: germline.